The following is an entry in ClinVar:

ClinVar aggregate classification (germline): Uncertain significance (0 of 4 stars; one submission).

Conditions:
BBS12-related disorder. Also called: BBS12-related condition.

gnomAD v4.1: 6 of 1,614,084 alleles (0.00037%); highest among the groups gnomAD compares: African/African-American, 0.008%; no homozygotes.

Submission:

PreventionGenetics, part of Exact Sciences
Classification: Uncertain significance for BBS12-related condition. Last evaluated: 2024-02-23. Review status: no assertion criteria provided. Collection method: clinical testing. Allele origin: germline.
Comment: The BBS12 c.1850C>T variant is predicted to result in the amino acid substitution p.Thr617Ile. To our knowledge, this variant has not been reported in the literature. This variant is reported in 0.012% of alleles in individuals of African descent in gnomAD. At this time, the clinical significance of this variant is uncertain due to the absence of conclusive functional and genetic evidence.

NM_152618.3(BBS12):c.1850C>T (p.Thr617Ile)

Gene: BBS12 (Bardet-Biedl syndrome 12; plus strand). Cytogenetic location: 4q27.
Variant type: single nucleotide variant.
Coding change: c.1850C>T on transcript NM_152618.3 (MANE Select); coding-DNA position 1850, C replaced by T.
Protein change: p.Thr617Ile; replaces threonine 617 with isoleucine.
Molecular consequence: missense variant.
Genome position (GRCh38, 1-based): chr4:122,743,742, C>T. VCF-style: chr4-122743742-C-T. GRCh37 (hg19) VCF-style: chr4-123664897-C-T.
Other names: c.1850C>T, p.Thr617Ile (NM_001178007.2); short protein forms T617I.
Identifiers: ClinVar variation 3355114 (VCV003355114.1).